The following is an entry in ClinVar:

ClinVar aggregate classification (germline): Likely benign. Review status: criteria provided, multiple submitters, no conflicts (2 of 4 stars). 2 submissions from 2 submitters: Likely benign (2). Last evaluated 2024-08-22.

Conditions:
Fanconi anemia complementation group J. Also called: BRIP1-Related Fanconi Anemia. Identifiers: Orphanet 84, MedGen C1836860, MONDO:0012187, OMIM 609054.
Familial cancer of breast. Also called: hereditary breast carcinoma; BREAST CANCER, FAMILIAL; Hereditary breast cancer. Identifiers: Orphanet 227535, MedGen C0346153, MONDO:0016419, OMIM 114480. Disease mechanism: loss of function.

gnomAD v4.1: 2 of 1,561,916 alleles (0.00013%); highest among the groups gnomAD compares: Non-Finnish European, 0.00018%; no homozygotes.

Submissions (2):

Myriad Genetics, Inc.
Classification: Likely benign for Familial cancer of breast. Last evaluated: 2024-08-22. Review status: criteria provided, single submitter. Criteria: Myriad Autosomal Dominant, Autosomal Recessive and X-Linked Classification Criteria (2023). Collection method: clinical testing. Allele origin: unknown.
Comment: This variant is considered likely benign. This variant is intronic and is not expected to impact mRNA splicing.

Labcorp Genetics (formerly Invitae), Labcorp
Classification: Likely benign for Familial cancer of breast; Fanconi anemia complementation group J. Last evaluated: 2024-04-16. Review status: criteria provided, single submitter. Criteria: Invitae Variant Classification Sherloc (09022015). Collection method: clinical testing. Allele origin: germline.

NM_032043.3(BRIP1):c.919-13T>C

Gene: BRIP1 (BRCA1 interacting DNA helicase 1; minus strand). Cytogenetic location: 17q23.2.
Variant type: single nucleotide variant.
Coding change: c.919-13T>C on transcript NM_032043.3 (MANE Select); 13 bases into the intron before coding-DNA position 919, T replaced by C.
Molecular consequence: intron variant.
Genome position (GRCh38, 1-based): chr17:61,801,487, A>G on the plus strand (T>C on the coding strand, the complement: BRIP1 is on the minus strand). VCF-style: chr17-61801487-A-G. GRCh37 (hg19) VCF-style: chr17-59878848-A-G.
Identifiers: ClinVar variation 3378687 (VCV003378687.3).